The following continues an entry in ClinVar:

NM_000059.4(BRCA2):c.5682C>G (p.Tyr1894Ter)

Gene: BRCA2. ClinVar aggregate classification (germline): Pathogenic. Pathogenic (1).

Submissions 8 to 23 of 51:

Molecular Pathology, Peter Maccallum Cancer Centre
Classification: Pathogenic for Breast-ovarian cancer, familial, susceptibility to, 2. Last evaluated: 2025-02-05. Review status: criteria provided, single submitter. Criteria: ACMG Guidelines, 2015. Collection method: clinical testing. Allele origin: germline. Inheritance: Autosomal dominant inheritance. Not counted in ClinVar's aggregate classification.

Mayo Clinic Laboratories, Mayo Clinic
Classification: Pathogenic. Last evaluated: 2024-08-08. Review status: criteria provided, single submitter. Criteria: ACMG Guidelines, 2015. Collection method: clinical testing. Allele origin: germline. Observed: 2 variant alleles. Not counted in ClinVar's aggregate classification.
Comment: PM3, PM5_strong, PVS1

Department of Clinical Genetics, Copenhagen University Hospital, Rigshospitalet
Classification: Pathogenic for Breast-ovarian cancer, familial, susceptibility to, 2. Last evaluated: 2024-05-27. Review status: criteria provided, single submitter. Criteria: ACMG Guidelines, 2015. Collection method: clinical testing. Allele origin: germline. Affected: yes. Not counted in ClinVar's aggregate classification.
Comment: PVS1; PM5_PTC_Strong

Blueprint Genetics
Classification: Pathogenic for BRCA2-related disorders. Last evaluated: 2024-04-29. Review status: criteria provided, single submitter. Criteria: ACMG Guidelines, 2015. Collection method: clinical testing. Allele origin: germline. Affected: yes. Observed: 5 variant alleles. Not counted in ClinVar's aggregate classification.

Color Diagnostics, LLC DBA Color Health
Classification: Pathogenic for Hereditary cancer-predisposing syndrome. Last evaluated: 2024-02-13. Review status: criteria provided, single submitter. Criteria: ACMG Guidelines, 2015. Collection method: clinical testing. Allele origin: germline. Not counted in ClinVar's aggregate classification.
Comment: This variant changes 1 nucleotide in exon 11 of the BRCA2 gene, creating a premature translation stop signal. This variant is expected to result in an absent or non-functional protein product. To our knowledge, functional studies have not been reported for this variant. This variant has been reported in at least 18 individuals affected with breast and/or ovarian cancer (PMID: 11179017, 16168118, 18042939, 17972171, 20104584, 25682074, 25927356, 26219728, 26687385, 27741520, 28294317, 28724667, 28831036, 30287823, 33471991; Leiden Open Variation Database DB-ID BRCA2_001092): and in individuals affected with pancreatic, prostate and colorectal cancer (PMID: 20736950, 29360161, 29478780). This variant also has been reported in related individuals affected with Fanconi anemia (PMID: 15070707). This variant has been identified in 1/250362 chromosomes in the general population by the Genome Aggregation Database (gnomAD). Loss of BRCA2 function is a known mechanism of disease. Based on the available evidence, this variant is classified as Pathogenic.

Institute of Human Genetics, University of Leipzig Medical Center
Classification: Pathogenic for Breast-ovarian cancer, familial, susceptibility to, 1. Last evaluated: 2024-01-15. Review status: criteria provided, single submitter. Criteria: ACMG Guidelines, 2015. Collection method: clinical testing. Allele origin: unknown. Inheritance: Autosomal dominant inheritance. Affected: yes. Not counted in ClinVar's aggregate classification.
Comment: Criteria applied: PVS1,PM5_STR

Baylor Genetics
Classification: Pathogenic for Familial cancer of breast. Last evaluated: 2024-01-01. Review status: criteria provided, single submitter. Criteria: ACMG Guidelines, 2015. Collection method: clinical testing. Allele origin: unknown. Not counted in ClinVar's aggregate classification.

All of Us Research Program, National Institutes of Health
Classification: Pathogenic for Breast-ovarian cancer, familial, susceptibility to, 2. Last evaluated: 2023-12-13. Review status: criteria provided, single submitter. Criteria: ACMG Guidelines, 2015. Collection method: clinical testing. Allele origin: germline. Inheritance: Autosomal dominant inheritance. Observed: 6 variant alleles, 6 heterozygotes. Not counted in ClinVar's aggregate classification.
Comment: This variant changes 1 nucleotide in exon 11 of the BRCA2 gene, creating a premature translation stop signal. This variant is expected to result in an absent or non-functional protein product. To our knowledge, functional studies have not been reported for this variant. This variant has been reported in at least 18 individuals affected with breast and/or ovarian cancer (PMID: 11179017, 16168118, 18042939, 17972171, 20104584, 25682074, 25927356, 26219728, 26687385, 27741520, 28294317, 28724667, 28831036, 30287823, 33471991; Leiden Open Variation Database DB-ID BRCA2_001092): and in individuals affected with pancreatic, prostate and colorectal cancer (PMID: 20736950, 29360161, 29478780). This variant also has been reported in related individuals affected with Fanconi anemia (PMID: 15070707). This variant has been identified in 1/250362 chromosomes in the general population by the Genome Aggregation Database (gnomAD). Loss of BRCA2 function is a known mechanism of disease. Based on the available evidence, this variant is classified as Pathogenic.

This study involves interpretation of variants in research participants for the purpose of population health screening. Participant phenotype was not available at the time of variant classification. Additional details can be found in publication PMID: 35346344, PMCID: PMC8962531

Quest Diagnostics Nichols Institute San Juan Capistrano
Classification: Pathogenic. Last evaluated: 2023-04-13. Review status: criteria provided, single submitter. Criteria: Quest Diagnostics criteria. Collection method: clinical testing. Allele origin: unknown. Not counted in ClinVar's aggregate classification.
Comment: This nonsense variant causes the premature termination of BRCA2 protein synthesis. The frequency of this variant in the general population, 0.000004 (1/250362 chromosomes), is consistent with pathogenicity. In the published literature, the variant has been reported in individuals/families with breast cancer (PMID: 18042939 (2007), 28724667 (2017), 29907814 (2018), 31174498 (2019), 32029870 (2020)), ovarian cancer (PMID: 1179017 (2001)), prostate cancer (PMID: 20736950 (2010)), gastric cancer (PMID: 32521533 (2020)), and liver cancer (PMID: 34399810 (2021)). Based on the available information, this variant is classified as pathogenic.

CHEO Genetics Diagnostic Laboratory, Children's Hospital of Eastern Ontario
Classification: Pathogenic for Breast and/or ovarian cancer. Last evaluated: 2023-02-03. Review status: criteria provided, single submitter. Criteria: ACMG Guidelines, 2015. Collection method: clinical testing. Allele origin: germline. Not counted in ClinVar's aggregate classification.

GeneDx
Classification: Pathogenic. Last evaluated: 2023-01-20. Review status: criteria provided, single submitter. Criteria: GeneDx Variant Classification Process June 2021. Collection method: clinical testing. Allele origin: germline. Affected: yes. Not counted in ClinVar's aggregate classification.
Comment: Nonsense variant predicted to result in protein truncation or nonsense mediated decay in a gene for which loss-of-function is a known mechanism of disease; Identified in individuals with a personal or family history consistent with pathogenic variants in this gene (Risch et al., 2001; Pohlreich et al., 2005; Edwards et al., 2010; Cini et al., 2016; Fernandes et al., 2016; Kim et al., 2016; Dudley et al., 2018); Not observed at a significant frequency in large population cohorts (gnomAD); Truncating variants in this gene are considered pathogenic by a well-established clinical consortium and/or database; Also known as 5910C>G; This variant is associated with the following publications: (PMID: 20736950, 29446198, 29339979, 29360161, 32211327, 29922827, 28888541, 24055113, 25525159, 11897832, 11179017, 27003155, 24156927, 26852015, 25637381, 26852130, 26219728, 25682074, 26848529, 27225637, 27741520, 27836010, 28176296, 28294317, 27356891, 28724667, 28423363, 29478780, 29907814, 29909963, 16168118, 29161300, 30720243, 19471317, 17972171, 18042939, 15340362, 15070707, 31174498, 31528241, 20104584, 30702160, 32467295, 34399810, 11597388, 32318955, 32521533, 31447099, 32101877, 31825140, 32885271, 30787465, 33087929, 33804961)

Baylor Genetics
Classification: Pathogenic for Breast-ovarian cancer, familial, susceptibility to, 2. Last evaluated: 2023-01-07. Review status: criteria provided, single submitter. Criteria: ACMG Guidelines, 2015. Collection method: clinical testing. Allele origin: unknown. Not counted in ClinVar's aggregate classification.

CeGaT Center for Human Genetics Tuebingen
Classification: Pathogenic. Last evaluated: 2022-08-01. Review status: criteria provided, single submitter. Criteria: CeGaT Center For Human Genetics Tuebingen Variant Classification Criteria Version 2. Collection method: clinical testing. Allele origin: germline. Affected: yes. Observed: 4 variant alleles. Not counted in ClinVar's aggregate classification.
Comment: BRCA2: PVS1, PM2

Sema4
Classification: Pathogenic for Hereditary cancer-predisposing syndrome. Last evaluated: 2022-03-14. Review status: criteria provided, single submitter. Criteria: Sema4 Curation Guidelines. Collection method: curation. Allele origin: germline. Not counted in ClinVar's aggregate classification.
Comment: The BRCA2 c.5682C>G (p.Y1894X) variant has been reported in heterozygosity in more than 25 individuals with breast, ovarian, prostate, and/or pancreatic cancer (PMID: 29446198, 33471991, 11179017, 20736950, 20736950, 28294317, 29360161). This variant was also reported as compound heterozygous in two siblings with Fanconi anemia (PMID: 15070707). It is also known as 5910C>G in the literature. This variant is a well-established pathogenic variant associated with hereditary breast and ovarian cancer syndrome (PMID: 29446198). This nonsense variant creates a premature stop codon at residue 1894 of the BRCA2 protein. At this location, nonsense-mediated decay is predicted to occur, resulting in a loss of gene function. Loss of function variants in BRCA2 are known to be pathogenic (PMID: 29446198). This variant was observed in 1/113148 chromosomes in the Non-Finnish European population according to the Genome Aggregation Database (PMID: 32461654), and has been reported in ClinVar (Variation ID: 37989). Based on the current evidence available, this variant is interpreted as pathogenic for hereditary breast and ovarian cancer syndrome in an autosomal dominant manner. Heterozygous individuals for a pathogenic variant in BRCA2 are also carrier for Fanconi anemia, an autosomal recessive disorder.

Revvity Omics, Revvity
Classification: Pathogenic. Last evaluated: 2022-02-22. Review status: criteria provided, single submitter. Criteria: ACMG Guidelines, 2015. Collection method: clinical testing. Allele origin: germline. Not counted in ClinVar's aggregate classification.

Fulgent Genetics
Classification: Pathogenic for Familial cancer of breast; Medulloblastoma; Familial prostate cancer; Wilms tumor 1; Fanconi anemia complementation group D1; Breast-ovarian cancer, familial, susceptibility to, 2; Glioma susceptibility 3; Pancreatic cancer, susceptibility to, 2. Last evaluated: 2021-10-11. Review status: criteria provided, single submitter. Criteria: ACMG Guidelines, 2015. Collection method: clinical testing. Allele origin: unknown. Not counted in ClinVar's aggregate classification.